The following is an entry in ClinVar:

ClinVar aggregate classification (germline): Uncertain significance (1 of 4 stars; one submission).

Conditions:
Cardiovascular phenotype. Identifiers: MedGen CN230736.

Submission:

Ambry Genetics
Classification: Uncertain significance for Cardiovascular phenotype. Last evaluated: 2022-09-02. Review status: criteria provided, single submitter. Criteria: Ambry Variant Classification Scheme 2023. Collection method: clinical testing. Allele origin: germline.
Comment: The p.P212L variant (also known as c.635C>T), located in coding exon 6 of the EFEMP2 gene, results from a C to T substitution at nucleotide position 635. The proline at codon 212 is replaced by leucine, an amino acid with similar properties. This amino acid position is conserved. In addition, the in silico prediction for this alteration is inconclusive. Since supporting evidence is limited at this time, the clinical significance of this alteration remains unclear.

NM_016938.5(EFEMP2):c.635C>T (p.Pro212Leu)

Gene: EFEMP2 (EGF containing fibulin extracellular matrix protein 2; minus strand). Cytogenetic location: 11q13.1.
Variant type: single nucleotide variant.
Coding change: c.635C>T on transcript NM_016938.5 (MANE Select); coding-DNA position 635, C replaced by T.
Protein change: p.Pro212Leu; replaces proline 212 with leucine.
Molecular consequence: missense variant. On other transcripts: non-coding transcript variant (1).
Genome position (GRCh38, 1-based): chr11:65,869,949, G>A on the plus strand (C>T on the coding strand, the complement: EFEMP2 is on the minus strand). VCF-style: chr11-65869949-G-A. GRCh37 (hg19) VCF-style: chr11-65637420-G-A.
Other names: short protein forms P212L.
Identifiers: ClinVar variation 1753043 (VCV001753043.2), dbSNP rs2495577281, ClinGen allele CA381359590.